The following is an entry in ClinVar:

NC_000001.10:g.(?_120269454)_(120286663_?)del

Gene: PHGDH (phosphoglycerate dehydrogenase; plus strand). Cytogenetic location: 1p12.
Variant type: Deletion.
Identifiers: ClinVar variation 3247783 (VCV003247783.1).

ClinVar aggregate classification (germline): Pathogenic (1 of 4 stars; one submission).

Conditions:
PHGDH deficiency. Identifiers: Orphanet 79351, MedGen C1866174, MONDO:0011152, OMIM 601815.

Submission:

Labcorp Genetics (formerly Invitae), Labcorp
Classification: Pathogenic for PHGDH deficiency. Last evaluated: 2023-11-24. Review status: criteria provided, single submitter. Criteria: Invitae Variant Classification Sherloc (09022015). Collection method: clinical testing. Allele origin: unknown.
Comment: This variant is a gross deletion of the genomic region encompassing exon(s) 4-12 of the PHGDH gene, which includes the termination codon. This deletion extends beyond the assayed region for this gene and therefore may encompass additional genes. While this deletion is not anticipated to lead to nonsense mediated decay, it is expected to alter mRNA translation or result in a truncated protein product. This variant has not been reported in the literature in individuals affected with PHGDH-related conditions. This variant disrupts a region of the PHGDH protein in which other variant(s) (p.Gly377Ser) have been determined to be pathogenic (PMID: 21113737, 28135894). This suggests that this is a clinically significant region of the protein, and that variants that disrupt it are likely to be disease-causing. For these reasons, this variant has been classified as Pathogenic.

Literature cited by the submitters: PubMed 21113737; PubMed 28135894.